The following is an entry in ClinVar:

ClinVar aggregate classification (germline): Uncertain significance (1 of 4 stars; one submission).

Conditions:
Perlman syndrome (PRLMNS). Identifiers: Orphanet 2849, MedGen C0796113, MONDO:0009965, OMIM 267000.

Allele frequency attached by ClinVar (database versions not stated): gnomAD exomes below 0.00001; gnomAD 0.00001.
gnomAD v4.1: 3 of 1,613,380 alleles (0.00019%); highest among the groups gnomAD compares: Non-Finnish European, 0.00025%; no homozygotes.

Submission:

Labcorp Genetics (formerly Invitae), Labcorp
Classification: Uncertain significance for Perlman syndrome. Last evaluated: 2024-04-29. Review status: criteria provided, single submitter. Criteria: Invitae Variant Classification Sherloc (09022015). Collection method: clinical testing. Allele origin: germline.
Comment: This sequence change replaces methionine, which is neutral and non-polar, with valine, which is neutral and non-polar, at codon 727 of the DIS3L2 protein (p.Met727Val). This variant is not present in population databases (gnomAD no frequency). This variant has not been reported in the literature in individuals affected with DIS3L2-related conditions. ClinVar contains an entry for this variant (Variation ID: 410739). Advanced modeling of protein sequence and biophysical properties (such as structural, functional, and spatial information, amino acid conservation, physicochemical variation, residue mobility, and thermodynamic stability) performed at Invitae indicates that this missense variant is not expected to disrupt DIS3L2 protein function with a negative predictive value of 80%. In summary, the available evidence is currently insufficient to determine the role of this variant in disease. Therefore, it has been classified as a Variant of Uncertain Significance.

NM_152383.5(DIS3L2):c.2179A>G (p.Met727Val)

Gene: DIS3L2 (DIS3 like 3'-5' exoribonuclease 2; plus strand). Cytogenetic location: 2q37.1.
Variant type: single nucleotide variant.
Coding change: c.2179A>G on transcript NM_152383.5 (MANE Select); coding-DNA position 2179, A replaced by G.
Protein change: p.Met727Val; replaces methionine 727 with valine.
Molecular consequence: missense variant. On other transcripts: non-coding transcript variant (2), intron variant (1).
Genome position (GRCh38, 1-based): chr2:232,334,389, A>G. VCF-style: chr2-232334389-A-G. GRCh37 (hg19) VCF-style: chr2-233199099-A-G.
Other names: c.1582-8956A>G (NM_001257281.2); short protein forms M727V.
Identifiers: ClinVar variation 410739 (VCV000410739.8), dbSNP rs1060503030, ClinGen allele CA16610705.